The following is an entry in ClinVar:

NM_004994.3(MMP9):c.1270C>G (p.Arg424Gly)

Gene: MMP9 (matrix metallopeptidase 9; plus strand). Cytogenetic location: 20q13.12.
Variant type: single nucleotide variant.
Coding change: c.1270C>G on transcript NM_004994.3 (MANE Select); coding-DNA position 1270, C replaced by G.
Protein change: p.Arg424Gly; replaces arginine 424 with glycine.
Molecular consequence: missense variant.
Genome position (GRCh38, 1-based): chr20:46,012,522, C>G. VCF-style: chr20-46012522-C-G. GRCh37 (hg19) VCF-style: chr20-44641161-C-G.
Other names: short protein forms R424G.
Identifiers: ClinVar variation 1410065 (VCV001410065.9), dbSNP rs371768001, ClinGen allele CA315635887.
Genomic context (GRCh38, chr20:46,012,522, plus strand): 5'-GGCCACGCGCTGGGCTTAGATCATTCCTCAGTGCCGGAGGCGCTCATGTACCCTATGTAC[C>G]GCTTCACTGAGGGGCCCCCCTTGCATAAGGACGACGTGAATGGCATCCGGCACCTCTATG-3'
Protein context (NP_004985.2, residues 414-434): VPEALMYPMY[Arg424Gly]FTEGPPLHKD

ClinVar aggregate classification (germline): Uncertain significance. Review status: criteria provided, multiple submitters, no conflicts (2 of 4 stars). 2 submissions from 2 submitters: Uncertain significance (2). Last evaluated 2024-10-14.

gnomAD v4.1: 7 of 1,613,978 alleles (0.00043%); highest among the groups gnomAD compares: Non-Finnish European, 0.000085%; no homozygotes.

Submissions (2):

Blueprint Genetics
Classification: Uncertain significance. Last evaluated: 2024-10-14. Review status: criteria provided, single submitter. Criteria: ACMG Guidelines, 2015. Collection method: clinical testing. Allele origin: germline.

Labcorp Genetics (formerly Invitae), Labcorp
Classification: Uncertain significance. Last evaluated: 2023-02-27. Review status: criteria provided, single submitter. Criteria: Invitae Variant Classification Sherloc (09022015). Collection method: clinical testing. Allele origin: germline.
Comment: This sequence change replaces arginine, which is basic and polar, with glycine, which is neutral and non-polar, at codon 424 of the MMP9 protein (p.Arg424Gly). In summary, the available evidence is currently insufficient to determine the role of this variant in disease. Therefore, it has been classified as a Variant of Uncertain Significance. Advanced modeling of protein sequence and biophysical properties (such as structural, functional, and spatial information, amino acid conservation, physicochemical variation, residue mobility, and thermodynamic stability) performed at Invitae indicates that this missense variant is not expected to disrupt MMP9 protein function. ClinVar contains an entry for this variant (Variation ID: 1410065). This variant has not been reported in the literature in individuals affected with MMP9-related conditions. This variant is not present in population databases (gnomAD no frequency).